The following is an entry in ClinVar:

NC_000022.10:g.(?_34000401)_(34157463_?)del

Gene: LARGE1 (LARGE xylosyl- and glucuronyltransferase 1; minus strand). Cytogenetic location: 22q12.3.
Variant type: Deletion.
Identifiers: ClinVar variation 2425218 (VCV002425218.3).

ClinVar aggregate classification (germline): Pathogenic (1 of 4 stars; one submission).

Conditions:
Muscular dystrophy-dystroglycanopathy type B6 (MDDGB6). Also called: MUSCULAR DYSTROPHY-DYSTROGLYCANOPATHY (CONGENITAL WITH IMPAIRED INTELLECTUAL DEVELOPMENT), TYPE B, 6; MUSCULAR DYSTROPHY, CONGENITAL, LARGE-RELATED; MUSCULAR DYSTROPHY, CONGENITAL, TYPE 1D. Identifiers: MedGen C1837229, MONDO:0012138, OMIM 608840.

Submission:

Labcorp Genetics (formerly Invitae), Labcorp
Classification: Pathogenic for Muscular dystrophy-dystroglycanopathy type B6. Last evaluated: 2023-08-24. Review status: criteria provided, single submitter. Criteria: Invitae Variant Classification Sherloc (09022015). Collection method: clinical testing. Allele origin: germline.
Comment: This variant is a gross deletion of the genomic region encompassing exon(s) 3-6 of the LARGE1 gene, which includes the initiator codon. This deletion extends beyond the assayed region for this gene and therefore may encompass additional genes. It is expected to result in an absent or disrupted protein product. Loss-of-function variants in LARGE1 are known to be pathogenic (PMID: 12966029, 17878207). This variant has not been reported in the literature in individuals affected with LARGE1-related conditions. For these reasons, this variant has been classified as Pathogenic.

Literature cited by the submitters: PubMed 12966029; PubMed 17878207.